The following is an entry in ClinVar:

NM_007327.4(GRIN1):c.2486T>C (p.Phe829Ser)

Gene: GRIN1 (glutamate ionotropic receptor NMDA type subunit 1; plus strand). Cytogenetic location: 9q34.3.
Variant type: single nucleotide variant.
Coding change: c.2486T>C on transcript NM_007327.4 (MANE Select); coding-DNA position 2486, T replaced by C.
Protein change: p.Phe829Ser; replaces phenylalanine 829 with serine.
Molecular consequence: missense variant.
Genome position (GRCh38, 1-based): chr9:137,163,801, T>C. VCF-style: chr9-137163801-T-C. GRCh37 (hg19) VCF-style: chr9-140058253-T-C.
Other names: c.2486T>C, p.Phe829Ser (NM_000832.7, NM_021569.4); c.2549T>C, p.Phe850Ser (NM_001185090.2, NM_001185091.2, NM_001437330.1 and 1 more transcripts); short protein forms F829S, F850S.
Identifiers: ClinVar variation 4881483 (VCV004881483.2).
Genomic context (GRCh38, chr9:137,163,801, plus strand): 5'-CTGGGTCCCGGCACACAGGGGTCTTCATGCTGGTAGCTGGGGGCATCGTGGCCGGGATCT[T>C]CCTGATTTTCATCGAGATTGCCTACAAGCGGCACAAGGATGCTCGCCGGAAGCAGATGCA-3'
Protein context (NP_015566.1, residues 819-839): LVAGGIVAGI[Phe829Ser]LIFIEIAYKR

ClinVar aggregate classification (germline): Uncertain significance (1 of 4 stars; one submission).

Submission:

Dasa
Classification: Uncertain significance. Last evaluated: 2026-04-22. Review status: criteria provided, single submitter. Criteria: DASA Assertion Criteria. Collection method: clinical testing. Allele origin: germline.
Comment: NM_007327.4(GRIN1):c.2486T>C (p.Phe829Ser) is a missense variant that results in the substitution of phenylalanine with serine. The affected residue or protein region has prior evidence supporting clinical relevance. This variant is rare in population databases. The currently available literature and clinical evidence are not sufficient to establish a definitive association between this variant and the reported condition. Therefore, this variant is classified as a variant of uncertain significance.